The following is an entry in ClinVar:

NM_001377.3(DYNC2H1):c.8310T>G (p.Tyr2770Ter)

Gene: DYNC2H1 (dynein cytoplasmic 2 heavy chain 1; plus strand). Cytogenetic location: 11q22.3.
Variant type: single nucleotide variant.
Coding change: c.8310T>G on transcript NM_001377.3 (MANE Select); coding-DNA position 8310, T replaced by G.
Protein change: p.Tyr2770Ter; replaces tyrosine 2770 with a stop codon.
Molecular consequence: nonsense.
Genome position (GRCh38, 1-based): chr11:103,203,775, T>G. VCF-style: chr11-103203775-T-G. GRCh37 (hg19) VCF-style: chr11-103074504-T-G.
Other names: c.8310T>G, p.Tyr2770Ter (NM_001080463.2); short protein forms Y2770*.
Identifiers: ClinVar variation 1460112 (VCV001460112.8), dbSNP rs1437320571, ClinGen allele CA382257951.
Genomic context (GRCh38, chr11:103,203,775, plus strand): 5'-ACTTAAGGATCAAGCTTCACAAGATGGTTTTTTTGGACCAGTCTTCAATTACTTCACATA[T>G]AGTAAGTGACATAGAATTCATTAATCAAATCAAACTGGTTTGTATGAAATATATATCATT-3'

ClinVar aggregate classification (germline): Pathogenic/Likely pathogenic. Review status: criteria provided, multiple submitters, no conflicts (2 of 4 stars). 3 submissions from 3 submitters: Pathogenic (2); Likely pathogenic (1). Last evaluated 2024-10-21.

Conditions:
Asphyxiating thoracic dystrophy 3. Also called: SHORT-RIB THORACIC DYSPLASIA 3 WITH OR WITHOUT POLYDACTYLY; POLYDACTYLY WITH NEONATAL CHONDRODYSTROPHY, TYPE I; SHORT-RIB THORACIC DYSPLASIA 3/6 WITH POLYDACTYLY, DIGENIC; Short rib polydactyly syndrome 2B; Saldino-Noonan Syndrome. Identifiers: Orphanet 474, Orphanet 93269, Orphanet 93270, Orphanet 93271, MedGen C0036069, MONDO:0013127, OMIM 613091.
Jeune thoracic dystrophy. Also called: Jeune syndrome; Infantile thoracic dystrophy; Thoracic pelvic phalangeal dystrophy; Jeune's syndrome; Chondroectodermal dysplasia-like syndrome; Short-rib thoracic dysplasia. Identifiers: Orphanet 474, MedGen C0265275, MONDO:0018770.

Allele frequency attached by ClinVar (database versions not stated): TOPMed 0.00001.

Submissions (3):

Labcorp Genetics (formerly Invitae), Labcorp
Classification: Pathogenic for Jeune thoracic dystrophy. Last evaluated: 2024-10-21. Review status: criteria provided, single submitter. Criteria: Invitae Variant Classification Sherloc (09022015). Collection method: clinical testing. Allele origin: germline.
Comment: This sequence change creates a premature translational stop signal (p.Tyr2770*) in the DYNC2H1 gene. It is expected to result in an absent or disrupted protein product. Loss-of-function variants in DYNC2H1 are known to be pathogenic (PMID: 23339108, 32753734, 33755199). This variant is not present in population databases (gnomAD no frequency). This variant has not been reported in the literature in individuals affected with DYNC2H1-related conditions. ClinVar contains an entry for this variant (Variation ID: 1460112). For these reasons, this variant has been classified as Pathogenic.

Baylor Genetics
Classification: Pathogenic for Asphyxiating thoracic dystrophy 3. Last evaluated: 2023-07-19. Review status: criteria provided, single submitter. Criteria: ACMG Guidelines, 2015. Collection method: clinical testing. Allele origin: unknown.

Women's Health and Genetics/Laboratory Corporation of America, LabCorp
Classification: Likely pathogenic for Asphyxiating thoracic dystrophy 3. Last evaluated: 2022-10-04. Review status: criteria provided, single submitter. Criteria: LabCorp Variant Classification Summary - May 2015. Collection method: clinical testing. Allele origin: germline.
Comment: Variant summary: DYNC2H1 c.8310T>G (p.Tyr2770X) results in a premature termination codon, predicted to cause a truncation of the encoded protein or absence of the protein due to nonsense mediated decay, which are commonly known mechanisms for disease. The variant was absent in 237678 control chromosomes (gnomAD). To our knowledge, no occurrence of c.8310T>G in individuals affected with Short-Rib Thoracic Dysplasia 3 With Or Without Polydactyly and no experimental evidence demonstrating its impact on protein function have been reported. One clinical diagnostic laboratory has submitted a clinical-significance assessment for this variant to ClinVar after 2014 and classified the variant as pathogenic. Based on the evidence outlined above, the variant was classified as likely pathogenic.

Literature cited by the submitters: PubMed 23339108 (cited by Labcorp Genetics (formerly Invitae), Labcorp); PubMed 32753734 (cited by Labcorp Genetics (formerly Invitae), Labcorp); PubMed 33755199 (cited by Labcorp Genetics (formerly Invitae), Labcorp).